The following is an entry in ClinVar:

NM_004006.3(DMD):c.1026C>G (p.Asp342Glu)

Gene: DMD (dystrophin; minus strand). Cytogenetic location: Xp21.1.
Variant type: single nucleotide variant.
Coding change: c.1026C>G on transcript NM_004006.3 (MANE Select); coding-DNA position 1026, C replaced by G.
Protein change: p.Asp342Glu; replaces aspartic acid 342 with glutamic acid.
Molecular consequence: missense variant.
Genome position (GRCh38, 1-based): chrX:32,645,087, G>C on the plus strand (C>G on the coding strand, the complement: DMD is on the minus strand). VCF-style: chrX-32645087-G-C. GRCh37 (hg19) VCF-style: chrX-32663204-G-C.
Other names: c.1002C>G, p.Asp334Glu (NM_000109.4); c.1014C>G, p.Asp338Glu (NM_004009.3); c.657C>G, p.Asp219Glu (NM_004010.3); short protein forms D219E, D334E, D338E, D342E.
Identifiers: ClinVar variation 1010272 (VCV001010272.8), dbSNP rs2059699090, ClinGen allele CA412662182.

ClinVar aggregate classification (germline): Uncertain significance (1 of 4 stars; one submission).

Conditions:
Duchenne muscular dystrophy (DMD). Also called: MUSCULAR DYSTROPHY, PSEUDOHYPERTROPHIC PROGRESSIVE, DUCHENNE TYPE; Duchenne Muscular Dystrophy (DMD). Identifiers: Orphanet 98896, MedGen C0013264, MONDO:0010679, OMIM 310200.

Submission:

Labcorp Genetics (formerly Invitae), Labcorp
Classification: Uncertain significance for Duchenne muscular dystrophy. Last evaluated: 2021-11-24. Review status: criteria provided, single submitter. Criteria: Invitae Variant Classification Sherloc (09022015). Collection method: clinical testing. Allele origin: germline.
Comment: This sequence change replaces aspartic acid, which is acidic and polar, with glutamic acid, which is acidic and polar, at codon 342 of the DMD protein (p.Asp342Glu). This variant is not present in population databases (gnomAD no frequency). This variant has not been reported in the literature in individuals affected with DMD-related conditions. ClinVar contains an entry for this variant (Variation ID: 1010272). Algorithms developed to predict the effect of missense changes on protein structure and function are either unavailable or do not agree on the potential impact of this missense change (SIFT: "Tolerated"; PolyPhen-2: "Possibly Damaging"; Align-GVGD: "Class C0"). In summary, the available evidence is currently insufficient to determine the role of this variant in disease. Therefore, it has been classified as a Variant of Uncertain Significance.